The following is an entry in ClinVar:

ClinVar aggregate classification (germline): Likely benign (1 of 4 stars; one submission).

Submission:

CeGaT Center for Human Genetics Tuebingen
Classification: Likely benign. Last evaluated: 2024-11-01. Review status: criteria provided, single submitter. Criteria: CeGaT Center For Human Genetics Tuebingen Variant Classification Criteria Version 2. Collection method: clinical testing. Allele origin: germline. Affected: yes. Observed: 1 variant allele.
Comment: UBR4: PM2:Supporting, BP4, BP7

NM_020765.3(UBR4):c.12201C>A (p.Ser4067=)

Gene: UBR4 (ubiquitin protein ligase E3 component n-recognin 4; minus strand). Cytogenetic location: 1p36.13.
Variant type: single nucleotide variant.
Coding change: c.12201C>A on transcript NM_020765.3 (MANE Select); coding-DNA position 12201, C replaced by A.
Protein change: p.Ser4067=; no amino-acid change (serine 4067 retained).
Molecular consequence: synonymous variant.
Genome position (GRCh38, 1-based): chr1:19,106,871, G>T on the plus strand (C>A on the coding strand, the complement: UBR4 is on the minus strand). VCF-style: chr1-19106871-G-T. GRCh37 (hg19) VCF-style: chr1-19433365-G-T.
Identifiers: ClinVar variation 3388807 (VCV003388807.14).